The following is an entry in ClinVar:

NM_014712.3(SETD1A):c.1743C>T (p.Asp581=)

Gene: SETD1A (SET domain containing 1A, histone lysine methyltransferase; plus strand). Cytogenetic location: 16p11.2.
Variant type: single nucleotide variant.
Coding change: c.1743C>T on transcript NM_014712.3 (MANE Select); coding-DNA position 1743, C replaced by T.
Protein change: p.Asp581=; no amino-acid change (aspartic acid 581 retained).
Molecular consequence: synonymous variant.
Genome position (GRCh38, 1-based): chr16:30,965,624, C>T. VCF-style: chr16-30965624-C-T. GRCh37 (hg19) VCF-style: chr16-30976945-C-T.
Identifiers: ClinVar variation 731251 (VCV000731251.6), dbSNP rs146323096, ClinGen allele CA8016751.

ClinVar aggregate classification (germline): Benign/Likely benign. Review status: criteria provided, multiple submitters, no conflicts (2 of 4 stars). 3 submissions from 3 submitters: Benign (1); Likely benign (1). 1 of the submissions does not count toward it. Last evaluated 2024-11-18.

Conditions:
SETD1A-related disorder. Also called: SETD1A-related condition.

Allele frequency attached by ClinVar (database versions not stated): ESP Exome Variant Server 0.00015; gnomAD 0.00024; 1000 Genomes Project 30x 0.00031; TOPMed 0.00035; ExAC 0.00039; 1000 Genomes Project 0.00040.
gnomAD v4.1: 206 of 1,611,868 alleles (0.013%); highest among the groups gnomAD compares: East Asian, 0.29%; 1 homozygote.

Submissions (3):

Blueprint Genetics
Classification: Likely benign. Last evaluated: 2024-11-18. Review status: criteria provided, single submitter. Criteria: ACMG Guidelines, 2015. Collection method: clinical testing. Allele origin: germline.

Labcorp Genetics (formerly Invitae), Labcorp
Classification: Benign. Last evaluated: 2018-05-16. Review status: criteria provided, single submitter. Criteria: Invitae Variant Classification Sherloc (09022015). Collection method: clinical testing. Allele origin: germline.

PreventionGenetics, part of Exact Sciences
Classification: Likely benign for SETD1A-related condition. Last evaluated: 2019-08-08. Review status: no assertion criteria provided. Collection method: clinical testing. Allele origin: germline. Not counted in ClinVar's aggregate classification.
Comment: This variant is classified as likely benign based on ACMG/AMP sequence variant interpretation guidelines (Richards et al. 2015 PMID: 25741868, with internal and published modifications).